The following is an entry in ClinVar:

ClinVar aggregate classification (germline): Uncertain significance (1 of 4 stars; one submission).

Conditions:
Hereditary cancer-predisposing syndrome. Also called: Hereditary Cancer Syndrome; Neoplastic Syndromes, Hereditary; Tumor predisposition; Hereditary neoplastic syndrome. Identifiers: Orphanet 140162, MedGen C0027672, MeSH D009386, MONDO:0015356.

Submission:

Ambry Genetics
Classification: Uncertain significance for Hereditary cancer-predisposing syndrome. Last evaluated: 2025-01-17. Review status: criteria provided, single submitter. Criteria: Ambry Variant Classification Scheme 2023. Collection method: clinical testing. Allele origin: germline.
Comment: The p.K1608Q variant (also known as c.4822A>C), located in coding exon 15 of the APC gene, results from an A to C substitution at nucleotide position 4822. The lysine at codon 1608 is replaced by glutamine, an amino acid with similar properties. This amino acid position is highly conserved in available vertebrate species. Missense alterations in APC are not a common cause of disease (Spier I et al. Genet Med. 2024 Feb;26(2):100992). In addition, in silico predictors for this gene do not accurately predict pathogenicity. Since supporting evidence is limited at this time, the clinical significance of this alteration remains unclear.

NM_000038.6(APC):c.4822A>C (p.Lys1608Gln)

Gene: APC (APC regulator of Wnt signaling pathway; plus strand). Cytogenetic location: 5q22.2.
Variant type: single nucleotide variant.
Coding change: c.4822A>C on transcript NM_000038.6 (MANE Select); coding-DNA position 4822, A replaced by C.
Protein change: p.Lys1608Gln; replaces lysine 1608 with glutamine.
Molecular consequence: missense variant.
Genome position (GRCh38, 1-based): chr5:112,840,416, A>C. VCF-style: chr5-112840416-A-C. GRCh37 (hg19) VCF-style: chr5-112176113-A-C.
Other names: c.4822A>C, p.Lys1608Gln (NM_001127510.3, NM_001354895.2, NM_001407450.1); c.4768A>C, p.Lys1590Gln (NM_001127511.3); c.4876A>C, p.Lys1626Gln (NM_001354896.2, NM_001407447.1, NM_001407448.1 and 1 more transcripts); c.4852A>C, p.Lys1618Gln (NM_001354897.2); c.4747A>C, p.Lys1583Gln (NM_001354898.2); c.4738A>C, p.Lys1580Gln (NM_001354899.2); c.4699A>C, p.Lys1567Gln (NM_001354900.2); c.4645A>C, p.Lys1549Gln (NM_001354901.2, NM_001407453.1); and 11 more; short protein forms K1517Q, K1549Q, K1601Q, K1482Q, K1580Q, K1583Q, K1590Q, K1618Q.
Identifiers: ClinVar variation 1743371 (VCV001743371.3), dbSNP rs2149924687, ClinGen allele CA16031895.